The following is an entry in ClinVar:

NM_018368.4(LMBRD1):c.378G>C (p.Lys126Asn)

Gene: LMBRD1 (LMBR1 domain containing 1; minus strand). Cytogenetic location: 6q13.
Variant type: single nucleotide variant.
Coding change: c.378G>C on transcript NM_018368.4 (MANE Select); coding-DNA position 378, G replaced by C.
Protein change: p.Lys126Asn; replaces lysine 126 with asparagine.
Molecular consequence: missense variant.
Genome position (GRCh38, 1-based): chr6:69,752,286, C>G on the plus strand (G>C on the coding strand, the complement: LMBRD1 is on the minus strand). VCF-style: chr6-69752286-C-G. GRCh37 (hg19) VCF-style: chr6-70462178-C-G.
Other names: p.K126N:AAG>AAC; c.159G>C, p.Lys53Asn (NM_001363722.2, NM_001367271.1, NM_001367272.1); short protein forms K126N, K53N.
Identifiers: ClinVar variation 203793 (VCV000203793.13), dbSNP rs200639044, ClinGen allele CA312671.

ClinVar aggregate classification (germline): Conflicting classifications of pathogenicity. Review status: criteria provided, conflicting classifications (1 of 4 stars). 3 submissions from 3 submitters: Uncertain significance (1); Likely benign (2). Last evaluated 2026-01-22.

Conditions:
Methylmalonic aciduria and homocystinuria type cblF. Also called: METHYLMALONIC ACIDEMIA AND HOMOCYSTINURIA, cblF TYPE; METHYLMALONIC ACIDURIA DUE TO VITAMIN B12-RELEASE DEFECT; VITAMIN B12 LYSOSOMAL RELEASE DEFECT; VITAMIN B12 STORAGE DISEASE; COBALAMIN F DISEASE; COBALAMIN, DEFECT IN LYSOSOMAL RELEASE OF. Identifiers: Orphanet 79284, MedGen C1848578, MONDO:0010183, OMIM 277380.

Allele frequency attached by ClinVar (database versions not stated): ExAC 0.00036; gnomAD exomes 0.00043; gnomAD 0.00007 and 0.00008; 1000 Genomes Project 30x 0.00016; 1000 Genomes Project 0.00020; TOPMed 0.00020.
gnomAD v4.1: 129 of 1,610,474 alleles (0.008%); highest among the groups gnomAD compares: Admixed American, 0.21%; 1 homozygote.

Submissions (3):

Labcorp Genetics (formerly Invitae), Labcorp
Classification: Likely benign for Methylmalonic aciduria and homocystinuria type cblF. Last evaluated: 2026-01-22. Review status: criteria provided, single submitter. Criteria: Invitae Variant Classification Sherloc (09022015). Collection method: clinical testing. Allele origin: germline.

Women's Health and Genetics/Laboratory Corporation of America, LabCorp
Classification: Likely benign. Last evaluated: 2025-02-04. Review status: criteria provided, single submitter. Criteria: LabCorp Variant Classification Summary - May 2015. Collection method: clinical testing. Allele origin: germline.
Comment: Variant summary: LMBRD1 c.378G>C (p.Lys126Asn) results in a non-conservative amino acid change in the encoded protein sequence. Four of five in-silico tools predict a damaging effect of the variant on protein function. The variant allele was found at a frequency of 0.00043 in 250712 control chromosomes, predominantly at a frequency of 0.003 within the Latino subpopulation in the gnomAD database, including 1 homozygote. The observed variant frequency within Latino control individuals in the gnomAD database is approximately 3 fold of the estimated maximal expected allele frequency for a pathogenic variant in LMBRD1 causing Methylmalonic aciduria and homocystinuria type cblF phenotype (0.0011). c.378G>C has been reported in the literature in at least an individual affected with hypertrophic cardiomyopathy (example: Burstein_2021). This report does not provide unequivocal conclusions about association of the variant with Methylmalonic aciduria and homocystinuria type cblF. To our knowledge, no experimental evidence demonstrating an impact on protein function has been reported. The following publication has been ascertained in the context of this evaluation (PMID: 32746448). ClinVar contains an entry for this variant (Variation ID: 203793). Based on the evidence outlined above, the variant was classified as likely benign.

GeneDx
Classification: Uncertain significance. Last evaluated: 2016-07-26. Review status: criteria provided, single submitter. Criteria: GeneDx Variant Classification (06012015). Collection method: clinical testing. Allele origin: germline. Affected: yes.
Comment: The K126N variant has not been published as a pathogenic variant, nor has it been reported as a benign variant to our knowledge. The K126N variant was not observed in approximately 6500 individuals of European and African American ancestry in the NHLBI Exome Sequencing Project, indicating it is not a common benign variant in these populations; however, K126N was observed in the homozygous state in one individual of Latino background in the Exome Aggregation Consortium (ExAC) database. The K126N variant is a semi-conservative amino acid substitution, which may impact secondary protein structure as these residues differ in some properties. This substitution occurs at a position where amino acids with similar properties to Lysine are tolerated across species. In silico analysis is inconsistent in its predictions as to whether or not the variant is damaging to the protein structure/function. In summary, based on the currently available information, it is unclear whether this variant is a pathogenic variant or a rare benign variant.

Literature cited by the submitters: PubMed 32746448 (cited by Women's Health and Genetics/Laboratory Corporation of America, LabCorp).